The following is an entry in ClinVar:

NM_000540.3(RYR1):c.661C>T (p.Leu221Phe)

Gene: RYR1 (ryanodine receptor 1; plus strand). Cytogenetic location: 19q13.2.
Variant type: single nucleotide variant.
Coding change: c.661C>T on transcript NM_000540.3 (MANE Select); coding-DNA position 661, C replaced by T.
Protein change: p.Leu221Phe; replaces leucine 221 with phenylalanine.
Molecular consequence: missense variant.
Genome position (GRCh38, 1-based): chr19:38,446,501, C>T. VCF-style: chr19-38446501-C-T. GRCh37 (hg19) VCF-style: chr19-38937141-C-T.
Other names: p.Leu221Phe; c.661C>T, p.Leu221Phe (NM_001042723.2); short protein forms L221F.
Identifiers: ClinVar variation 3070935 (VCV003070935.3), dbSNP rs1568438505, ClinGen allele CA405679435.

ClinVar aggregate classification (germline): Conflicting classifications of pathogenicity. Review status: criteria provided, conflicting classifications (1 of 4 stars). 3 submissions from 3 submitters: Likely pathogenic (1); Uncertain significance (2). Last evaluated 2026-03-24.

Conditions:
Congenital multicore myopathy with external ophthalmoplegia (CMYO1B). Also called: MULTICORE MYOPATHY; Minicore myopathy with external ophthalmoplegia; Congenital myopathy 1B, autosomal recessive; Minicore myopathy; MULTIMINICORE DISEASE WITH EXTERNAL OPHTHALMOPLEGIA. Identifiers: Orphanet 598, Orphanet 98905, MedGen C1850674, MONDO:0009712, OMIM 255320, HP:0003789.
Malignant hyperthermia, susceptibility to, 1 (MHS1). Also called: Anesthesia related hyperthermia; Malignant hyperpyrexia; Fulminating hyperpyrexia; Pharmacogenic myopathy; RYR1-Related Malignant Hyperthermia Susceptibility; Malignant hyperthermia suceptibility 1. Identifiers: Orphanet 423, MedGen C2930980, MONDO:0007783, OMIM 145600.

Submissions (3):

Department of Molecular Genetics, Istishari Arab Hospital
Classification: Likely pathogenic for Congenital multicore myopathy with external ophthalmoplegia. Last evaluated: 2026-03-24. Review status: criteria provided, single submitter. Criteria: ACMG Guidelines, 2015. Collection method: clinical testing. Allele origin: germline. Inheritance: Autosomal recessive inheritance. Affected: yes.
Comment: The RYR1 variant c.661C>T, p.Leu221Phe creates an amino acid change from Leu to Phe at position 221. The variant is not observed in the gnomAD v4.1.0 dataset, and to the best of our knowledge, was not previously reported in the literature. The variant is located in a mutational hot spot and/or well-established functional domain in which established pathogenic variants have been reported (PMID: 33767344). It is classified as a variant of uncertain significance according to the recommendations of ACMG/AMP/ClinGen SVI guidelines

Women's Health and Genetics/Laboratory Corporation of America, LabCorp
Classification: Uncertain significance. Last evaluated: 2025-05-28. Review status: criteria provided, single submitter. Criteria: LabCorp Variant Classification Summary - May 2015. Collection method: clinical testing. Allele origin: germline.
Comment: Variant summary: RYR1 c.661C>T (p.Leu221Phe) results in a non-conservative amino acid change in the encoded protein sequence. Algorithms developed to predict the effect of missense changes on protein structure and function all suggest that this variant is likely to be disruptive. The variant was absent in 251472 control chromosomes. The available data on variant occurrences in the general population are insufficient to allow any conclusion about variant significance. c.661C>T has been observed in at least one individual affected with statin associated muscle symptoms who also carried variants in other muscle disease related genes (Isackson_2018). These report(s) do not provide unequivocal conclusions about association of the variant with Congenital Multicore Myopathy With External Ophthalmoplegia. To our knowledge, no experimental evidence demonstrating an impact on protein function has been reported. The following publication have been ascertained in the context of this evaluation (PMID: 30325262). ClinVar contains an entry for this variant (Variation ID: 3070935). Based on the evidence outlined above, the variant was classified as uncertain significance.

All of Us Research Program, National Institutes of Health
Classification: Uncertain significance for Malignant hyperthermia, susceptibility to, 1. Last evaluated: 2023-05-08. Review status: criteria provided, single submitter. Criteria: ACMG Guidelines, 2015. Collection method: clinical testing. Allele origin: germline. Inheritance: Autosomal dominant inheritance. Observed: 1 variant allele, 1 heterozygote.
Comment: This study involves interpretation of variants in research participants for the purpose of population health screening. Participant phenotype was not available at the time of variant classification. Additional details can be found in publication PMID: 35346344, PMCID: PMC8962531

Literature cited by the submitters: PubMed 33767344 (cited by Department of Molecular Genetics, Istishari Arab Hospital); PubMed 30325262 (cited by Women's Health and Genetics/Laboratory Corporation of America, LabCorp).